The following is an entry in ClinVar:

NM_006312.6(NCOR2):c.5034G>A (p.Ala1678=)

Gene: NCOR2 (nuclear receptor corepressor 2; minus strand). Cytogenetic location: 12q24.31.
Variant type: single nucleotide variant.
Coding change: c.5034G>A on transcript NM_006312.6 (MANE Select); coding-DNA position 5034, G replaced by A.
Protein change: p.Ala1678=; no amino-acid change (alanine 1678 retained).
Molecular consequence: synonymous variant.
Genome position (GRCh38, 1-based): chr12:124,341,977, C>T on the plus strand (G>A on the coding strand, the complement: NCOR2 is on the minus strand). VCF-style: chr12-124341977-C-T. GRCh37 (hg19) VCF-style: chr12-124826523-C-T.
Other names: c.5004G>A, p.Ala1668= (NM_001077261.4, NM_001206654.2).
Identifiers: ClinVar variation 3041788 (VCV003041788.3), dbSNP rs376573640, ClinGen allele CA6868086.

ClinVar aggregate classification (germline): Likely benign. Review status: criteria provided, single submitter (1 of 4 stars). 2 submissions from 2 submitters: Likely benign (1). 1 of the submissions does not count toward it. Last evaluated 2024-01-04.

Conditions:
NCOR2-related disorder. Also called: NCOR2-related condition.

Allele frequency attached by ClinVar (database versions not stated): ExAC 0.00003; ESP Exome Variant Server 0.00008.
gnomAD v4.1: 48 of 1,613,166 alleles (0.003%); highest among the groups gnomAD compares: East Asian, 0.011%; no homozygotes.

Submissions (2):

Ambry Genetics
Classification: Likely benign. Last evaluated: 2024-01-04. Review status: criteria provided, single submitter. Criteria: Ambry Variant Classification Scheme 2023. Collection method: clinical testing. Allele origin: germline.

PreventionGenetics, part of Exact Sciences
Classification: Likely benign for NCOR2-related condition. Last evaluated: 2019-05-20. Review status: no assertion criteria provided. Collection method: clinical testing. Allele origin: germline. Not counted in ClinVar's aggregate classification.
Comment: This variant is classified as likely benign based on ACMG/AMP sequence variant interpretation guidelines (Richards et al. 2015 PMID: 25741868, with internal and published modifications).